The following is an entry in ClinVar:

ClinVar aggregate classification (germline): Uncertain significance (1 of 4 stars; one submission).

Conditions:
Inborn genetic diseases. Identifiers: MedGen C0950123, MeSH D030342.

Submission:

Ambry Genetics
Classification: Uncertain significance for Inborn genetic diseases. Last evaluated: 2024-12-10. Review status: criteria provided, single submitter. Criteria: Ambry Variant Classification Scheme 2023. Collection method: clinical testing. Allele origin: germline.
Comment: The p.M145T variant (also known as c.434T>C), located in coding exon 3 of the USB1 gene, results from a T to C substitution at nucleotide position 434. The methionine at codon 145 is replaced by threonine, an amino acid with similar properties. This amino acid position is conserved. In addition, this alteration is predicted to be tolerated by in silico analysis. Based on the available evidence, the clinical significance of this variant remains unclear.

NM_024598.4(USB1):c.434T>C (p.Met145Thr)

Gene: USB1 (U6 snRNA biogenesis phosphodiesterase 1; plus strand). Cytogenetic location: 16q21.
Variant type: single nucleotide variant.
Coding change: c.434T>C on transcript NM_024598.4 (MANE Select); coding-DNA position 434, T replaced by C.
Protein change: p.Met145Thr; replaces methionine 145 with threonine.
Molecular consequence: missense variant.
Genome position (GRCh38, 1-based): chr16:58,010,097, T>C. VCF-style: chr16-58010097-T-C. GRCh37 (hg19) VCF-style: chr16-58044001-T-C.
Other names: c.434T>C, p.Met145Thr (NM_001195302.2, NM_001204911.2, NM_001330569.2); c.281T>C, p.Met94Thr (NM_001330568.2); short protein forms M145T, M94T.
Identifiers: ClinVar variation 3466496 (VCV003466496.1).